The following is an entry in ClinVar:

ClinVar aggregate classification (germline): Pathogenic. Review status: criteria provided, multiple submitters, no conflicts (2 of 4 stars). 7 submissions from 7 submitters: Pathogenic (5). 2 of the submissions do not count toward it. Last evaluated 2026-06-01.

Conditions:
Parkinson disease 17 (PARK17). Also called: VPS35-Related Parkinson Disease. Identifiers: Orphanet 411602, MedGen C3280133, MONDO:0013625, OMIM 614203.

Submissions (7):

CeGaT Center for Human Genetics Tuebingen
Classification: Pathogenic. Last evaluated: 2026-06-01. Review status: criteria provided, single submitter. Criteria: CeGaT Center For Human Genetics Tuebingen Variant Classification Criteria Version 2. Collection method: clinical testing. Allele origin: germline. Affected: yes. Observed: 1 variant allele.
Comment: VPS35: PP1:Strong, PS4, PM2, PP3, PS3:Supporting

Fulgent Genetics
Classification: Pathogenic for Parkinson disease 17. Last evaluated: 2024-04-26. Review status: criteria provided, single submitter. Criteria: ACMG Guidelines, 2015. Collection method: clinical testing. Allele origin: germline.

GeneDx
Classification: Pathogenic. Last evaluated: 2023-05-31. Review status: criteria provided, single submitter. Criteria: GeneDx Variant Classification Process June 2021. Collection method: clinical testing. Allele origin: germline. Affected: yes.
Comment: Published functional studies demonstrate a damaging effect, as D620N disrupts cellular autophagy and mitochondrial function (Bi et al., 2013; Ma et al., 2021); Not observed at significant frequency in large population cohorts (gnomAD); In silico analysis supports that this missense variant has a deleterious effect on protein structure/function; This variant is associated with the following publications: (PMID: 24740878, 25416282, 26618722, 28765075, 29743203, 24557499, 22801713, 33032646, 28985717, 30842285, 33347683, 25288323, 24819384, 24152121, 26251041, 24980502, 34127073, 23125461, 22154191, 33611076, 21763482, 32707456, 23411763)

Labcorp Genetics (formerly Invitae), Labcorp
Classification: Pathogenic for Parkinson disease 17. Last evaluated: 2023-03-08. Review status: criteria provided, single submitter. Criteria: Invitae Variant Classification Sherloc (09022015). Collection method: clinical testing. Allele origin: germline.
Comment: ClinVar contains an entry for this variant (Variation ID: 30196). Experimental studies have shown that this missense change affects VPS35 function (PMID: 23411763, 24740878). For these reasons, this variant has been classified as Pathogenic. Advanced modeling of protein sequence and biophysical properties (such as structural, functional, and spatial information, amino acid conservation, physicochemical variation, residue mobility, and thermodynamic stability) performed at Invitae indicates that this missense variant is expected to disrupt VPS35 protein function. This missense change has been observed in individual(s) with Parkinson disease (PMID: 21763482, 22154191, 22801713). It has also been observed to segregate with disease in related individuals. This variant is not present in population databases (gnomAD no frequency). This sequence change replaces aspartic acid, which is acidic and polar, with asparagine, which is neutral and polar, at codon 620 of the VPS35 protein (p.Asp620Asn).

3billion
Classification: Pathogenic for Parkinson disease 17. Review status: criteria provided, single submitter. Criteria: ACMG Guidelines, 2015. Collection method: clinical testing. Allele origin: unknown. Affected: yes. Observed: 1 heterozygote.
Comment: The variant is not observed in the gnomAD v2.1.1 dataset. Missense changes are a common disease-causing mechanism. In silico tool predictions suggest damaging effect of the variant on gene or gene product (3Cnet: 0.60). Same nucleotide change resulting in same amino acid change has been previously reported as pathogenic/likely pathogenic with strong evidence (ClinVar ID: VCV000030196 / PMID: 21763482). The variant has been observed in multiple (>3) similarly affected unrelated individuals (PMID: 21763482, 21763483, 22801713, 22991136). The variant has been reported to co-segregate with the disease in at least 7 similarly affected relatives/individuals in at least two unrelated families (PMID: 21763482, 21763483, 22801713, 22991136). Therefore, this variant is classified as Pathogenic according to the recommendation of ACMG/AMP guideline.

OMIM
Classification: Pathogenic for PARKINSON DISEASE 17. Last evaluated: 2012-10-01. Review status: no assertion criteria provided. Collection method: literature only. Allele origin: germline. Not counted in ClinVar's aggregate classification.

GeneReviews
No classification provided. Condition: Parkinson disease 17. Review status: no classification provided. Collection method: literature only. Allele origin: germline. Observed: 50 variant alleles. Not counted in ClinVar's aggregate classification.
Comment: Autosomal dominant inheritance. About 85% of affected individuals have an affected parent.

Literature cited by the submitters: PubMed 23411763 (cited by Labcorp Genetics (formerly Invitae), Labcorp); PubMed 24740878 (cited by Labcorp Genetics (formerly Invitae), Labcorp); PubMed 21763482 (cited by Labcorp Genetics (formerly Invitae), Labcorp and 3billion); PubMed 22154191 (cited by Labcorp Genetics (formerly Invitae), Labcorp); PubMed 22801713 (cited by 3 submitters); PubMed 21763483 (cited by 3billion and OMIM); PubMed 22991136 (cited by 3billion and OMIM); PubMed 18342564 (cited by OMIM); Vilarino-Guell, C., Wider, C., Ross, O. A., Dachsel, J. C., Kachergus, J. M., Lincoln, S. J., Soto-Ortolaza, A. I., Cobb, S. A., Wilhoite, G. J., Bacon, J. A., Behrouz, B., Melrose, H. L., and 21 others VPS35 mutations in Parkinson disease. Am. J. Hum. Genet. 89: 162-167, 2011. Note: Erratum: Am. J. Hum. Genet. 89: 347 only, 2011. (cited by OMIM); PubMed 22517097 (cited by OMIM); NCBI Bookshelf NBK447258 (cited by GeneReviews); PubMed 28796472 (cited by GeneReviews).

NM_018206.6(VPS35):c.1858G>A (p.Asp620Asn)

Gene: VPS35 (VPS35 retromer complex component; minus strand). Cytogenetic location: 16q11.2.
Variant type: single nucleotide variant.
Coding change: c.1858G>A on transcript NM_018206.6 (MANE Select); coding-DNA position 1858, G replaced by A.
Protein change: p.Asp620Asn; replaces aspartic acid 620 with asparagine.
Molecular consequence: missense variant.
Genome position (GRCh38, 1-based): chr16:46,662,452, C>T on the plus strand (G>A on the coding strand, the complement: VPS35 is on the minus strand). VCF-style: chr16-46662452-C-T. GRCh37 (hg19) VCF-style: chr16-46696364-C-T.
Other names: c.1858G>A (NM_018206.4); short protein forms D620N.
Identifiers: ClinVar variation 30196 (VCV000030196.12), dbSNP rs188286943, ClinGen allele CA259758.